The following is an entry in ClinVar:

ClinVar aggregate classification (germline): Uncertain significance. Review status: criteria provided, multiple submitters, no conflicts (2 of 4 stars). 2 submissions from 2 submitters: Uncertain significance (2). Last evaluated 2024-11-04.

Conditions:
Inborn genetic diseases. Identifiers: MedGen C0950123, MeSH D030342.

gnomAD v4.1: 23 of 1,614,014 alleles (0.0014%); highest among the groups gnomAD compares: Non-Finnish European, 0.0019%; no homozygotes.

Submissions (2):

Labcorp Genetics (formerly Invitae), Labcorp
Classification: Uncertain significance. Last evaluated: 2024-11-04. Review status: criteria provided, single submitter. Criteria: Invitae Variant Classification Sherloc (09022015). Collection method: clinical testing. Allele origin: germline.
Comment: This sequence change replaces arginine, which is basic and polar, with histidine, which is basic and polar, at codon 125 of the TRMT5 protein (p.Arg125His). This variant is present in population databases (rs753292903, gnomAD 0.003%). This variant has not been reported in the literature in individuals affected with TRMT5-related conditions. ClinVar contains an entry for this variant (Variation ID: 1953329). Invitae Evidence Modeling of protein sequence and biophysical properties (such as structural, functional, and spatial information, amino acid conservation, physicochemical variation, residue mobility, and thermodynamic stability) indicates that this missense variant is not expected to disrupt TRMT5 protein function with a negative predictive value of 80%. In summary, the available evidence is currently insufficient to determine the role of this variant in disease. Therefore, it has been classified as a Variant of Uncertain Significance.

Ambry Genetics
Classification: Uncertain significance for Inborn genetic diseases. Last evaluated: 2024-10-29. Review status: criteria provided, single submitter. Criteria: Ambry Variant Classification Scheme 2023. Collection method: clinical testing. Allele origin: germline.

NM_020810.3(TRMT5):c.374G>A (p.Arg125His)

Gene: TRMT5 (tRNA methyltransferase 5; minus strand). Cytogenetic location: 14q23.1.
Variant type: single nucleotide variant.
Coding change: c.374G>A on transcript NM_020810.3 (MANE Select); coding-DNA position 374, G replaced by A.
Protein change: p.Arg125His; replaces arginine 125 with histidine.
Molecular consequence: missense variant.
Genome position (GRCh38, 1-based): chr14:60,979,524, C>T on the plus strand (G>A on the coding strand, the complement: TRMT5 is on the minus strand). VCF-style: chr14-60979524-C-T. GRCh37 (hg19) VCF-style: chr14-61446242-C-T.
Other names: c.458G>A, p.Arg153His (NM_001350253.1); c.455G>A, p.Arg152His (NM_001350254.1); c.374G>A (NM_020810.2); short protein forms R153H, R152H, R125H.
Identifiers: ClinVar variation 1953329 (VCV001953329.5), dbSNP rs753292903, ClinGen allele CA261752571.